The following is an entry in ClinVar:

ClinVar aggregate classification (germline): Uncertain significance (1 of 4 stars; one submission).

Submission:

GeneDx
Classification: Uncertain significance. Last evaluated: 2021-12-06. Review status: criteria provided, single submitter. Criteria: GeneDx Variant Classification Process June 2021. Collection method: clinical testing. Allele origin: germline. Affected: yes.
Comment: Not observed at significant frequency in large population cohorts (gnomAD); In silico analysis supports that this missense variant does not alter protein structure/function; Has not been previously published as pathogenic or benign to our knowledge

NM_019597.5(HNRNPH2):c.709G>A (p.Gly237Ser)

Genes: HNRNPH2 (heterogeneous nuclear ribonucleoprotein H2; plus strand), RPL36A-HNRNPH2 (RPL36A-HNRNPH2 readthrough; plus strand). Cytogenetic location: Xq22.1.
Variant type: single nucleotide variant.
Coding change: c.709G>A on transcript NM_019597.5 (MANE Select); coding-DNA position 709, G replaced by A.
Protein change: p.Gly237Ser; replaces glycine 237 with serine.
Molecular consequence: missense variant. On other transcripts: 3 prime UTR variant (2).
Genome position (GRCh38, 1-based): chrX:101,412,697, G>A. VCF-style: chrX-101412697-G-A. GRCh37 (hg19) VCF-style: chrX-100667685-G-A.
Other names: c.*705G>A (NM_001199973.2, NM_001199974.2); c.709G>A, p.Gly237Ser (NM_001032393.3); short protein forms G237S.
Identifiers: ClinVar variation 1698089 (VCV001698089.2), dbSNP rs2147495132, ClinGen allele CA413942789.
Genomic context (GRCh38, chrX:101,412,697, plus strand): 5'-AGAGGGTATAATAGCATTGGCAGAGGAGCTGGGTTTGAAAGGATGAGGCGTGGTGCCTAT[G>A]GTGGAGGGTATGGAGGCTATGATGACTATGGTGGCTATAATGATGGATATGGCTTTGGGT-3'
Protein context (NP_062543.1, residues 227-247): GFERMRRGAY[Gly237Ser]GGYGGYDDYG